The following is an entry in ClinVar:

ClinVar aggregate classification (germline): Uncertain significance (1 of 4 stars; one submission).

Conditions:
Anauxetic dysplasia. Identifiers: Orphanet 93347, MedGen C1846796, MONDO:0011773.

Allele frequency attached by ClinVar (database versions not stated): gnomAD exomes below 0.00001.

Submission:

Labcorp Genetics (formerly Invitae), Labcorp
Classification: Uncertain significance for Anauxetic dysplasia. Last evaluated: 2022-08-23. Review status: criteria provided, single submitter. Criteria: Invitae Variant Classification Sherloc (09022015). Collection method: clinical testing. Allele origin: germline.
Comment: This variant occurs in the RMRP gene, which encodes an RNA molecule that does not result in a protein product. This variant is not present in population databases (gnomAD no frequency). This variant has not been reported in the literature in individuals affected with RMRP-related conditions. Experimental studies and prediction algorithms are not available or were not evaluated, and the functional significance of this variant is currently unknown. In summary, the available evidence is currently insufficient to determine the role of this variant in disease. Therefore, it has been classified as a Variant of Uncertain Significance.

NC_000009.12:g.35657679_35657698del

Gene: RMRP (RNA component of mitochondrial RNA processing endoribonuclease; minus strand). Cytogenetic location: 9p13.3.
Variant type: Deletion.
Genome position: GRCh38 VCF-style: chr9-35657678-GAGCCTGAGGTGAGGCATCGC-G. GRCh37 (hg19) VCF-style: chr9-35657675-GAGCCTGAGGTGAGGCATCGC-G.
Identifiers: ClinVar variation 1054609 (VCV001054609.9), dbSNP rs2131807553, ClinGen allele CA2499219881.